The following is an entry in ClinVar:

ClinVar aggregate classification (germline): Uncertain significance (1 of 4 stars; one submission).

gnomAD v4.1: 5 of 1,614,088 alleles (0.00031%); highest among the groups gnomAD compares: East Asian, 0.0067%; no homozygotes.

Submission:

GeneDx
Classification: Uncertain significance. Last evaluated: 2024-05-13. Review status: criteria provided, single submitter. Criteria: GeneDx Variant Classification Process June 2021. Collection method: clinical testing. Allele origin: germline. Affected: yes.
Comment: Not observed at significant frequency in large population cohorts (gnomAD); In silico analysis supports that this missense variant has a deleterious effect on protein structure/function; Has not been previously published as pathogenic or benign to our knowledge

NM_018127.7(ELAC2):c.527A>T (p.Glu176Val)

Gene: ELAC2 (elaC ribonuclease Z 2; minus strand). Cytogenetic location: 17p12.
Variant type: single nucleotide variant.
Coding change: c.527A>T on transcript NM_018127.7 (MANE Select); coding-DNA position 527, A replaced by T.
Protein change: p.Glu176Val; replaces glutamic acid 176 with valine.
Molecular consequence: missense variant.
Genome position (GRCh38, 1-based): chr17:13,013,239, T>A on the plus strand (A>T on the coding strand, the complement: ELAC2 is on the minus strand). VCF-style: chr17-13013239-T-A. GRCh37 (hg19) VCF-style: chr17-12916556-T-A.
Other names: c.527A>T, p.Glu176Val (NM_001165962.2, NM_173717.2); short protein forms E176V.
Identifiers: ClinVar variation 3378296 (VCV003378296.1).
Genomic context (GRCh38, chr17:13,013,239, plus strand): 5'-TCCTGGGAAACCTGGCTTTCATACTCACTGTGTATGGGGATCTGGTAAACTGTCATGGTT[T>A]CATCCTCGTATTCTGGGGCAGAGTGGGGCCGCACAGCTACAAGAAAACCACACAACAGCA-3'
Protein context (NP_060597.4, residues 166-186): RPHSAPEYED[Glu176Val]TMTVYQIPIH